The following is an entry in ClinVar:

ClinVar aggregate classification (germline): Uncertain significance. Review status: criteria provided, multiple submitters, no conflicts (2 of 4 stars). 3 submissions from 3 submitters: Uncertain significance (2). 1 of the submissions does not count toward it. Last evaluated 2025-07-21.

Conditions:
VPS13B-related disorder. Also called: VPS13B-related condition.
Cohen syndrome (COH1). Also called: Cutis verticis gyrata, retinitis pigmentosa, and sensorineural deafness; PEPPER SYNDROME. Identifiers: Orphanet 193, MedGen C0265223, MONDO:0008999, OMIM 216550.

Allele frequency attached by ClinVar (database versions not stated): gnomAD exomes below 0.00001; ExAC 0.00001; gnomAD 0.00001; TOPMed 0.00001; ESP Exome Variant Server 0.00008.
gnomAD v4.1: 3 of 1,613,986 alleles (0.00019%); highest among the groups gnomAD compares: African/African-American, 0.0013%; no homozygotes.

Submissions (3):

PreventionGenetics, part of Exact Sciences
Classification: Uncertain significance for VPS13B-related condition. Last evaluated: 2025-07-21. Review status: criteria provided, single submitter. Criteria: ACMG Guidelines, 2015. Collection method: clinical testing. Allele origin: germline.
Comment: The VPS13B c.10924A>G variant is predicted to result in the amino acid substitution p.Ile3642Val. To our knowledge, this variant has not been reported in the literature. This variant is reported in 0.00088% of alleles in individuals of European (Non-Finnish) descent in gnomAD. At this time, the clinical significance of this variant is uncertain due to the absence of conclusive functional and genetic evidence.

Labcorp Genetics (formerly Invitae), Labcorp
Classification: Uncertain significance for Cohen syndrome. Last evaluated: 2022-06-22. Review status: criteria provided, single submitter. Criteria: Invitae Variant Classification Sherloc (09022015). Collection method: clinical testing. Allele origin: germline.
Comment: This sequence change replaces isoleucine, which is neutral and non-polar, with valine, which is neutral and non-polar, at codon 3667 of the VPS13B protein (p.Ile3667Val). This variant is present in population databases (rs148582416, gnomAD 0.0009%). This variant has not been reported in the literature in individuals affected with VPS13B-related conditions. ClinVar contains an entry for this variant (Variation ID: 1021453). Algorithms developed to predict the effect of missense changes on protein structure and function output the following: SIFT: "Not Available"; PolyPhen-2: "Benign"; Align-GVGD: "Not Available". The valine amino acid residue is found in multiple mammalian species, which suggests that this missense change does not adversely affect protein function. In summary, the available evidence is currently insufficient to determine the role of this variant in disease. Therefore, it has been classified as a Variant of Uncertain Significance.

Natera, Inc.
Classification: Uncertain significance for Cohen syndrome. Last evaluated: 2021-03-24. Review status: no assertion criteria provided. Collection method: clinical testing. Allele origin: germline. Not counted in ClinVar's aggregate classification.

NM_152564.5(VPS13B):c.10924A>G (p.Ile3642Val)

Gene: VPS13B (vacuolar protein sorting 13 homolog B; plus strand). Cytogenetic location: 8q22.2.
Variant type: single nucleotide variant.
Coding change: c.10924A>G on transcript NM_152564.5 (MANE Select); coding-DNA position 10924, A replaced by G.
Protein change: p.Ile3642Val; replaces isoleucine 3642 with valine.
Molecular consequence: missense variant.
Genome position (GRCh38, 1-based): chr8:99,859,360, A>G. VCF-style: chr8-99859360-A-G. GRCh37 (hg19) VCF-style: chr8-100871588-A-G.
Other names: c.10924A>G (NM_152564.4); c.10999A>G, p.Ile3667Val (NM_017890.5); short protein forms I3642V, I3667V.
Identifiers: ClinVar variation 1021453 (VCV001021453.10), dbSNP rs148582416, ClinGen allele CA4825068.
Genomic context (GRCh38, chr8:99,859,360, plus strand): 5'-GCAGGCTGGGTAGTTGGGTCTCTGGATATTCTTGGCAGCCCTGCAAGCCTGGTGAGAAGC[A>G]TCGGGAACGGGGTCGCCGACTTCTTCAGGCTTCCGTATGAGGGGCTGACCCGGGGCCCTG-3'
Protein context (NP_689777.3, residues 3632-3652): LGSPASLVRS[Ile3642Val]GNGVADFFRL